The following is an entry in ClinVar:

NM_001384140.1(PCDH15):c.2240G>T (p.Gly747Val)

Gene: PCDH15 (protocadherin related 15; minus strand). Cytogenetic location: 10q21.1.
Variant type: single nucleotide variant.
Coding change: c.2240G>T on transcript NM_001384140.1 (MANE Select); coding-DNA position 2240, G replaced by T.
Protein change: p.Gly747Val; replaces glycine 747 with valine.
Molecular consequence: missense variant.
Genome position (GRCh38, 1-based): chr10:54,023,178, C>A on the plus strand (G>T on the coding strand, the complement: PCDH15 is on the minus strand). VCF-style: chr10-54023178-C-A. GRCh37 (hg19) VCF-style: chr10-55782938-C-A.
Other names: c.2255G>T, p.Gly752Val (NM_001142763.2, NM_001142771.2); c.2240G>T, p.Gly747Val (NM_001142764.2, NM_001142766.2, NM_001142770.3 and 5 more transcripts); c.2027G>T, p.Gly676Val (NM_001142765.2); c.2129G>T, p.Gly710Val (NM_001142767.2); c.2174G>T, p.Gly725Val (NM_001142768.2, NM_001142773.2, NM_001354404.2); c.2276G>T, p.Gly759Val (NM_001142769.4); c.2261G>T, p.Gly754Val (NM_001354411.2); short protein forms G676V, G710V, G754V, G759V, G725V, G747V, G752V.
Identifiers: ClinVar variation 1478776 (VCV001478776.6), dbSNP rs765302336, ClinGen allele CA5506064.
Genomic context (GRCh38, chr10:54,023,178, plus strand): 5'-GATGTGATACGAAAAAGATTATTAAAGTTACCCAAACTGTAGTGCACTTGACCATTTATT[C>A]CAGCATCAGGGTCTGTTGCCTATTAAATAAAACAAAAAAACAAAAAAATTCACGTAAGTT-3'
Protein context (NP_001371069.1, residues 737-757): GQVKATDPDA[Gly747Val]INGQVHYSLG

ClinVar aggregate classification (germline): Uncertain significance (1 of 4 stars; one submission).

Allele frequency attached by ClinVar (database versions not stated): gnomAD exomes below 0.00001; ExAC 0.00001.
gnomAD v4.1: 1 of 1,613,502 alleles (0.000062%); highest among the groups gnomAD compares: East Asian, 0.0022%; no homozygotes.

Submission:

Labcorp Genetics (formerly Invitae), Labcorp
Classification: Uncertain significance. Last evaluated: 2022-07-12. Review status: criteria provided, single submitter. Criteria: Invitae Variant Classification Sherloc (09022015). Collection method: clinical testing. Allele origin: germline.
Comment: In summary, the available evidence is currently insufficient to determine the role of this variant in disease. Therefore, it has been classified as a Variant of Uncertain Significance. Algorithms developed to predict the effect of missense changes on protein structure and function are either unavailable or do not agree on the potential impact of this missense change (SIFT: "Deleterious"; PolyPhen-2: "Probably Damaging"; Align-GVGD: "Class C0"). ClinVar contains an entry for this variant (Variation ID: 1478776). This variant has not been reported in the literature in individuals affected with PCDH15-related conditions. This variant is present in population databases (rs765302336, gnomAD 0.006%). This sequence change replaces glycine, which is neutral and non-polar, with valine, which is neutral and non-polar, at codon 747 of the PCDH15 protein (p.Gly747Val).